The following is an entry in ClinVar:

ClinVar aggregate classification (germline): Uncertain significance (1 of 4 stars; one submission).

Conditions:
SLC39A8-CDG. Also called: CONGENITAL DISORDER OF GLYCOSYLATION, TYPE IIn; CDG IIn; SLC39A8 deficiency. Identifiers: Orphanet 468699, MedGen C4225234, MONDO:0014746, OMIM 616721.

Submission:

Victorian Clinical Genetics Services, Murdoch Childrens Research Institute
Classification: Uncertain significance for SLC39A8-CDG. Last evaluated: 2022-02-02. Review status: criteria provided, single submitter. Criteria: ACMG Guidelines, 2015. Collection method: clinical testing. Allele origin: germline. Inheritance: Autosomal recessive inheritance.
Comment: Based on the classification scheme VCGS_Germline_v1.3.4, this variant is classified as 3B-VUS. Following criteria are met: 0102 - Loss of function is a known mechanism of disease in this gene and is associated with type IIn congenital disorder of glycosylation (MIM#616721). (I) 0106 - This gene is associated with autosomal recessive disease. (I) 0204 - Premature termination codon is located within the first 100 nucleotides of the protein coding sequence and is predicted to escape nonsense-medicated decay. (SP) 0251 - This variant is heterozygous. (I) 0301 - Variant is absent from gnomAD (both v2 and v3). (SP) 0710 - Another premature termination variant comparable to the one identified in this case has inconclusive previous evidence for pathogenicity. p.(Val7Trpfs*21) has been reported once in ClinVar as uncertain significance. (I) 0807 - This variant has no previous evidence of pathogenicity. (I) 0905 - No published segregation evidence has been identified for this variant. (I) 1007 - No published functional evidence has been identified for this variant. (I) 1208 - Inheritance information for this variant is not currently available in this individual. (I) Legend: (SP) - Supporting pathogenic, (I) - Information, (SB) - Supporting benign

NM_001135146.2(SLC39A8):c.16_28del (p.Ala6fs)

Genes: SLC39A8 (solute carrier family 39 member 8; minus strand), LOC129992876 (ATAC-STARR-seq lymphoblastoid silent region 15595; plus strand). Cytogenetic location: 4q24.
Variant type: Deletion.
Coding change: c.16_28del on transcript NM_001135146.2 (MANE Select); coding-DNA positions 16 to 28, 13 bases deleted (GCGGTGGCCGGGC).
Protein change: p.Ala6fs; shifts the reading frame from alanine 6.
Molecular consequence: frameshift variant.
Genome position (GRCh38, 1-based): chr4:102,344,635-102,344,647, GCCCGGCCACCGC deleted on the plus strand (GCGGTGGCCGGGC on the coding strand, the reverse complement: SLC39A8 is on the minus strand); deleting any 13 consecutive bases within chr4:102,344,635-102,344,649 gives the same sequence; the c. name uses the placement nearest the transcript's 3' end. VCF-style (leftmost placement, unchanged base first): chr4-102344634-AGCCCGGCCACCGC-A. GRCh37 (hg19) VCF-style: chr4-103265791-AGCCCGGCCACCGC-A.
Other names: c.16_28del, p.Ala6fs (NM_001135147.1, NM_022154.5); short protein forms A6fs.
Identifiers: ClinVar variation 1805152 (VCV001805152.1), dbSNP rs2476524984, ClinGen allele CA2573050782.